The following is an entry in ClinVar:

NM_206965.2(FTCD):c.1079C>T (p.Ala360Val)

Gene: FTCD (formimidoyltransferase cyclodeaminase; minus strand). Cytogenetic location: 21q22.3.
Variant type: single nucleotide variant.
Coding change: c.1079C>T on transcript NM_206965.2 (MANE Select); coding-DNA position 1079, C replaced by T.
Protein change: p.Ala360Val; replaces alanine 360 with valine.
Molecular consequence: missense variant.
Genome position (GRCh38, 1-based): chr21:46,145,837, G>A on the plus strand (C>T on the coding strand, the complement: FTCD is on the minus strand). VCF-style: chr21-46145837-G-A. GRCh37 (hg19) VCF-style: chr21-47565751-G-A.
Other names: c.1079C>T, p.Ala360Val (NM_001320412.2, NM_006657.3); short protein forms A360V.
Identifiers: ClinVar variation 1703384 (VCV001703384.2), dbSNP rs1280366533, ClinGen allele CA410513251.

ClinVar aggregate classification (germline): Uncertain significance (1 of 4 stars; one submission).

Allele frequency attached by ClinVar (database versions not stated): TOPMed 0.00001; gnomAD 0.00014.
gnomAD v4.1: 11 of 873,802 alleles (0.0013%); highest among the groups gnomAD compares: South Asian, 0.0029%; no homozygotes.

Submission:

GeneDx
Classification: Uncertain significance. Last evaluated: 2022-02-25. Review status: criteria provided, single submitter. Criteria: GeneDx Variant Classification Process June 2021. Collection method: clinical testing. Allele origin: germline. Affected: yes.
Comment: Not observed at significant frequency in large population cohorts (gnomAD); In silico analysis supports that this missense variant has a deleterious effect on protein structure/function; Has not been previously published as pathogenic or benign to our knowledge